The following is an entry in ClinVar:

NM_001267550.2(TTN):c.58869A>G (p.Lys19623=)

Genes: TTN (titin; minus strand), TTN-AS1 (TTN antisense RNA 1; plus strand). Cytogenetic location: 2q31.2.
Variant type: single nucleotide variant.
Coding change: c.58869A>G on transcript NM_001267550.2 (MANE Select); coding-DNA position 58869, A replaced by G.
Protein change: p.Lys19623=; no amino-acid change (lysine 19623 retained).
Molecular consequence: synonymous variant.
Genome position (GRCh38, 1-based): chr2:178,593,339, T>C on the plus strand (A>G on the coding strand, the complement: TTN is on the minus strand). VCF-style: chr2-178593339-T-C. GRCh37 (hg19) VCF-style: chr2-179458066-T-C.
Other names: c.53946A>G, p.Lys17982= (NM_001256850.1); c.51165A>G, p.Lys17055= (NM_133378.4); c.31674A>G, p.Lys10558= (NM_003319.4); c.32049A>G, p.Lys10683= (NM_133432.3); c.32250A>G, p.Lys10750= (NM_133437.4).
Identifiers: ClinVar variation 47140 (VCV000047140.61), dbSNP rs191066933, ClinGen allele CA140107.

ClinVar aggregate classification (germline): Benign/Likely benign. Review status: criteria provided, multiple submitters, no conflicts (2 of 4 stars). 16 submissions from 13 submitters: Benign (9); Likely benign (6). 1 of the submissions does not count toward it. Last evaluated 2026-01-31.

Conditions:
TTN-related disorder. Also called: TTN-related condition; TTN-related disease; TTN-related disorders.
Cardiovascular phenotype. Identifiers: MedGen CN230736.
Dilated cardiomyopathy 1G (CMD1G). Identifiers: Orphanet 154, MedGen C1858763, MONDO:0011400, OMIM 604145.
Autosomal recessive limb-girdle muscular dystrophy type 2J (LGMDR10). Also called: Limb-girdle muscular dystrophy, type 2J; MUSCULAR DYSTROPHY, LIMB-GIRDLE, AUTOSOMAL RECESSIVE 10. Identifiers: Orphanet 140922, MedGen C1837342, MONDO:0012127, OMIM 608807.
Cardiomyopathy (CMYO). Also called: Cardiomyopathies. Identifiers: Orphanet 167848, MedGen C0878544, MONDO:0004994, HP:0001638. Inheritance: Various modes of inheritance.
Early-onset myopathy with fatal cardiomyopathy (CMYO5). Also called: Salih Myopathy; CONGENITAL MYOPATHY 5 WITH CARDIOMYOPATHY. Identifiers: Orphanet 289377, MedGen C2673677, MONDO:0012714, OMIM 611705. Disease mechanism: loss of function.
Myopathy, myofibrillar, 9, with early respiratory failure (MFM9). Also called: Hereditary myopathy with early respiratory failure; Myopathy, distal, with early respiratory failure, autosomal dominant; EDSTROM MYOPATHY; MYOPATHY, PROXIMAL, WITH EARLY RESPIRATORY MUSCLE INVOLVEMENT. Identifiers: Orphanet 178464, Orphanet 34521, MedGen C1863599, MONDO:0011362, OMIM 603689.
Tibial muscular dystrophy (TMD). Also called: Udd Distal Myopathy – Tibial Muscular Dystrophy; Tibial muscular dystrophy, tardive; UDD MYOPATHY. Identifiers: Orphanet 609, MedGen C1838244, MONDO:0010870, OMIM 600334.

Allele frequency attached by ClinVar (database versions not stated): gnomAD exomes 0.00009 and 0.00023; ExAC 0.00027; ESP Exome Variant Server 0.00109; 1000 Genomes Project 0.00120; gnomAD 0.00121 and 0.00132; TOPMed 0.00130; 1000 Genomes Project 30x 0.00156.
gnomAD v4.1: 335 of 1,613,378 alleles (0.021%); highest among the groups gnomAD compares: African/African-American, 0.39%; 1 homozygote.

Submissions (16):

Labcorp Genetics (formerly Invitae), Labcorp
Classification: Benign for Dilated cardiomyopathy 1G; Autosomal recessive limb-girdle muscular dystrophy type 2J. Last evaluated: 2026-01-31. Review status: criteria provided, single submitter. Criteria: Invitae Variant Classification Sherloc (09022015). Collection method: clinical testing. Allele origin: germline.

Molecular Diagnostic Laboratory for Inherited Cardiovascular Disease, Montreal Heart Institute
Classification: Benign. Last evaluated: 2025-04-09. Review status: criteria provided, single submitter. Criteria: ACMG Guidelines, 2015. Collection method: clinical testing. Allele origin: germline. Affected: no.

Blueprint Genetics
Classification: Likely benign. Last evaluated: 2024-10-07. Review status: criteria provided, single submitter. Criteria: ACMG Guidelines, 2015. Collection method: clinical testing. Allele origin: germline.

CeGaT Center for Human Genetics Tuebingen
Classification: Likely benign. Last evaluated: 2023-07-01. Review status: criteria provided, single submitter. Criteria: CeGaT Center For Human Genetics Tuebingen Variant Classification Criteria Version 2. Collection method: clinical testing. Allele origin: germline. Affected: yes. Observed: 1 variant allele.
Comment: TTN: BP4, BP7

Genome-Nilou Lab
Classification: Benign for Autosomal recessive limb-girdle muscular dystrophy type 2J. Last evaluated: 2021-09-10. Review status: criteria provided, single submitter. Criteria: ACMG Guidelines, 2015. Collection method: clinical testing. Allele origin: germline. Affected: no.

Genome-Nilou Lab
Classification: Benign for Myopathy, myofibrillar, 9, with early respiratory failure. Last evaluated: 2021-09-10. Review status: criteria provided, single submitter. Criteria: ACMG Guidelines, 2015. Collection method: clinical testing. Allele origin: germline. Affected: no.

Genome-Nilou Lab
Classification: Benign for Early-onset myopathy with fatal cardiomyopathy. Last evaluated: 2021-09-10. Review status: criteria provided, single submitter. Criteria: ACMG Guidelines, 2015. Collection method: clinical testing. Allele origin: germline. Affected: no.

Genome-Nilou Lab
Classification: Benign for Tibial muscular dystrophy. Last evaluated: 2021-09-10. Review status: criteria provided, single submitter. Criteria: ACMG Guidelines, 2015. Collection method: clinical testing. Allele origin: germline. Affected: no.

Women's Health and Genetics/Laboratory Corporation of America, LabCorp
Classification: Likely benign. Last evaluated: 2020-09-24. Review status: criteria provided, single submitter. Criteria: LabCorp Variant Classification Summary - May 2015. Collection method: clinical testing. Allele origin: germline.

ARUP Laboratories, Molecular Genetics and Genomics, ARUP Laboratories
Classification: Likely benign. Last evaluated: 2020-08-23. Review status: criteria provided, single submitter. Criteria: ARUP Molecular Germline Variant Investigation Process. Collection method: clinical testing. Allele origin: germline.

Ambry Genetics
Classification: Likely benign for Cardiovascular phenotype. Last evaluated: 2018-12-05. Review status: criteria provided, single submitter. Criteria: Ambry Variant Classification Scheme 2023. Collection method: clinical testing. Allele origin: germline.

CHEO Genetics Diagnostic Laboratory, Children's Hospital of Eastern Ontario
Classification: Benign for Cardiomyopathy. Last evaluated: 2017-03-16. Review status: criteria provided, single submitter. Criteria: ACMG Guidelines, 2015. Collection method: clinical testing. Allele origin: germline. Study: Canadian Open Genetics Repository.

Eurofins Ntd Llc (ga)
Classification: Likely benign. Last evaluated: 2016-06-17. Review status: criteria provided, single submitter. Criteria: EGL Classification Definitions 2015. Collection method: clinical testing. Allele origin: germline. Observed: 1 variant allele, 1 heterozygote.

GeneDx
Classification: Benign. Last evaluated: 2015-03-03. Review status: criteria provided, single submitter. Criteria: GeneDx Variant Classification Process June 2021. Collection method: clinical testing. Allele origin: germline. Affected: yes.

Laboratory for Molecular Medicine, Mass General Brigham Personalized Medicine
Classification: Benign. Last evaluated: 2012-03-19. Review status: criteria provided, single submitter. Criteria: LMM Criteria. Collection method: clinical testing. Allele origin: germline. Observed: 4 variant alleles.
Comment: p.Lys17055Lys in Exon 248 of TTN: This variant is not expected to have clinical significance because it does not alter an amino acid residue, is not located wit hin the splice consensus sequence and has been identified in 0.4% (11/3044) of A frican American chromosomes from a broad population by the NHLBI Exome Sequencin g Project.

PreventionGenetics, part of Exact Sciences
Classification: Likely benign for TTN-related condition. Last evaluated: 2020-01-30. Review status: no assertion criteria provided. Collection method: clinical testing. Allele origin: germline. Not counted in ClinVar's aggregate classification.
Comment: This variant is classified as likely benign based on ACMG/AMP sequence variant interpretation guidelines (Richards et al. 2015 PMID: 25741868, with internal and published modifications).